The following is an entry in ClinVar:

NM_004415.4(DSP):c.2000G>C (p.Trp667Ser)

Gene: DSP (desmoplakin; plus strand). Cytogenetic location: 6p24.3.
Variant type: single nucleotide variant.
Coding change: c.2000G>C on transcript NM_004415.4 (MANE Select); coding-DNA position 2000, G replaced by C.
Protein change: p.Trp667Ser; replaces tryptophan 667 with serine.
Molecular consequence: missense variant.
Genome position (GRCh38, 1-based): chr6:7,571,938, G>C. VCF-style: chr6-7571938-G-C. GRCh37 (hg19) VCF-style: chr6-7572171-G-C.
Other names: c.2000G>C, p.Trp667Ser (NM_001008844.3, NM_001319034.2); short protein forms W667S.
Identifiers: ClinVar variation 923220 (VCV000923220.8), dbSNP rs760214732, ClinGen allele CA031167.

ClinVar aggregate classification (germline): Conflicting classifications of pathogenicity. Review status: criteria provided, conflicting classifications (1 of 4 stars). 4 submissions from 4 submitters: Uncertain significance (3); Likely benign (1). Last evaluated 2025-03-15.

Conditions:
Arrhythmogenic cardiomyopathy with wooly hair and keratoderma. Also called: PALMOPLANTAR KERATODERMA WITH LEFT VENTRICULAR CARDIOMYOPATHY AND WOOLLY HAIR; Carvajal syndrome; Dilated cardiomyopathy with woolly hair and keratoderma; Arrhythmogenic cardiomyopathy with woolly hair and keratoderma. Identifiers: Orphanet 65282, MedGen C1854063, MONDO:0011581, OMIM 605676.
Arrhythmogenic right ventricular dysplasia 8 (ARVD8). Also called: Arrhythmogenic Right Ventricular Dysplasia/Cardiomyopathy 8; ARRHYTHMOGENIC RIGHT VENTRICULAR DYSPLASIA, FAMILIAL, 8; ARRHYTHMOGENIC RIGHT VENTRICULAR CARDIOMYOPATHY 8. Identifiers: MedGen C1843896, MONDO:0011831, OMIM 607450.
Cardiomyopathy (CMYO). Also called: Cardiomyopathies. Identifiers: Orphanet 167848, MedGen C0878544, MONDO:0004994, HP:0001638. Inheritance: Various modes of inheritance.
Cardiovascular phenotype. Identifiers: MedGen CN230736.

Allele frequency attached by ClinVar (database versions not stated): gnomAD exomes 0.00001 and 0.00002; ExAC 0.00002; TOPMed 0.00002.
gnomAD v4.1: 6 of 1,614,118 alleles (0.00037%); highest among the groups gnomAD compares: Admixed American, 0.01%; no homozygotes.

Submissions (4):

Labcorp Genetics (formerly Invitae), Labcorp
Classification: Likely benign for Arrhythmogenic cardiomyopathy with wooly hair and keratoderma; Arrhythmogenic right ventricular dysplasia 8. Last evaluated: 2025-03-15. Review status: criteria provided, single submitter. Criteria: Invitae Variant Classification Sherloc (09022015). Collection method: clinical testing. Allele origin: germline.

All of Us Research Program, National Institutes of Health
Classification: Uncertain significance for Arrhythmogenic cardiomyopathy with wooly hair and keratoderma. Last evaluated: 2024-05-09. Review status: criteria provided, single submitter. Criteria: ACMG Guidelines, 2015. Collection method: clinical testing. Allele origin: germline. Inheritance: Autosomal dominant inheritance. Observed: 2 variant alleles, 2 heterozygotes.
Comment: This missense variant replaces tryptophan with serine at codon 667 of the DSP protein. Computational prediction suggests that this variant may not impact protein structure and function (internally defined REVEL score threshold <= 0.5, PMID: 27666373). Splice site prediction tools suggest that this variant may not impact RNA splicing. To our knowledge, functional studies have not been performed for this variant. This variant has not been reported in individuals affected with cardiovascular disorders in the literature. This variant has been identified in 6/251206 chromosomes in the general population by the Genome Aggregation Database (gnomAD). The available evidence is insufficient to determine the role of this variant in disease conclusively. Therefore, this variant is classified as a Variant of Uncertain Significance.

This study involves interpretation of variants in research participants for the purpose of population health screening. Participant phenotype was not available at the time of variant classification. Additional details can be found in publication PMID: 35346344, PMCID: PMC8962531

Color Diagnostics, LLC DBA Color Health
Classification: Uncertain significance for Cardiomyopathy. Last evaluated: 2024-03-06. Review status: criteria provided, single submitter. Criteria: ACMG Guidelines, 2015. Collection method: clinical testing. Allele origin: germline.
Comment: This missense variant replaces tryptophan with serine at codon 667 of the DSP protein. Computational prediction suggests that this variant may not impact protein structure and function (internally defined REVEL score threshold <= 0.5, PMID: 27666373). Splice site prediction tools suggest that this variant may not impact RNA splicing. To our knowledge, functional studies have not been performed for this variant. This variant has not been reported in individuals affected with cardiovascular disorders in the literature. This variant has been identified in 6/251206 chromosomes in the general population by the Genome Aggregation Database (gnomAD). The available evidence is insufficient to determine the role of this variant in disease conclusively. Therefore, this variant is classified as a Variant of Uncertain Significance.

Ambry Genetics
Classification: Uncertain significance for Cardiovascular phenotype. Last evaluated: 2021-07-27. Review status: criteria provided, single submitter. Criteria: Ambry Variant Classification Scheme 2023. Collection method: clinical testing. Allele origin: germline.
Comment: The p.W667S variant (also known as c.2000G>C), located in coding exon 15 of the DSP gene, results from a G to C substitution at nucleotide position 2000. The tryptophan at codon 667 is replaced by serine, an amino acid with highly dissimilar properties. This amino acid position is conserved. In addition, the in silico prediction for this alteration is inconclusive. Since supporting evidence is limited at this time, the clinical significance of this alteration remains unclear.